The following is an entry in ClinVar:

ClinVar aggregate classification (germline): Uncertain significance. Review status: criteria provided, multiple submitters, no conflicts (2 of 4 stars). 2 submissions from 2 submitters: Uncertain significance (2). Last evaluated 2024-08-27.

Conditions:
Epilepsy, familial focal, with variable foci 3 (FFEVF3). Identifiers: MedGen C4310708, MONDO:0014925, OMIM 617118.
Inborn genetic diseases. Identifiers: MedGen C0950123, MeSH D030342.

Allele frequency attached by ClinVar (database versions not stated): gnomAD 0.00001; gnomAD exomes 0.00001 and 0.00003; TOPMed 0.00001; ExAC 0.00002; ESP Exome Variant Server 0.00008.
gnomAD v4.1: 40 of 1,609,900 alleles (0.0025%); highest among the groups gnomAD compares: Middle Eastern, 0.016%; no homozygotes.

Submissions (2):

Ambry Genetics
Classification: Uncertain significance for Inborn genetic diseases. Last evaluated: 2024-08-27. Review status: criteria provided, single submitter. Criteria: Ambry Variant Classification Scheme 2023. Collection method: clinical testing. Allele origin: germline.

Labcorp Genetics (formerly Invitae), Labcorp
Classification: Uncertain significance for Epilepsy, familial focal, with variable foci 3. Last evaluated: 2022-07-11. Review status: criteria provided, single submitter. Criteria: Invitae Variant Classification Sherloc (09022015). Collection method: clinical testing. Allele origin: germline.
Comment: In summary, the available evidence is currently insufficient to determine the role of this variant in disease. Therefore, it has been classified as a Variant of Uncertain Significance. ClinVar contains an entry for this variant (Variation ID: 576773). This variant has not been reported in the literature in individuals affected with NPRL3-related conditions. This variant is present in population databases (rs370299128, gnomAD 0.003%). This sequence change replaces arginine, which is basic and polar, with histidine, which is basic and polar, at codon 159 of the NPRL3 protein (p.Arg159His).

NM_001077350.3(NPRL3):c.476G>A (p.Arg159His)

Genes: HBA-LCR (alpha-globin locus control region; plus strand), NPRL3 (NPR3 like, GATOR1 complex subunit; minus strand). Cytogenetic location: 16p13.3.
Variant type: single nucleotide variant.
Coding change: c.476G>A on transcript NM_001077350.3 (MANE Select); coding-DNA position 476, G replaced by A.
Protein change: p.Arg159His; replaces arginine 159 with histidine.
Molecular consequence: missense variant. On other transcripts: 5 prime UTR variant (1).
Genome position (GRCh38, 1-based): chr16:112,693, C>T on the plus strand (G>A on the coding strand, the complement: NPRL3 is on the minus strand). VCF-style: chr16-112693-C-T. GRCh37 (hg19) VCF-style: chr16-162692-C-T.
Other names: c.-62G>A (NM_001039476.3); c.242G>A, p.Arg81His (NM_001243247.2); c.401G>A, p.Arg134His (NM_001243248.2, NM_001243249.2); short protein forms R134H, R159H, R81H.
Identifiers: ClinVar variation 576773 (VCV000576773.9), dbSNP rs370299128, ClinGen allele CA7769651.